The following is an entry in ClinVar:

ClinVar aggregate classification (germline): Uncertain significance. Review status: criteria provided, multiple submitters, no conflicts (2 of 4 stars). 2 submissions from 2 submitters: Uncertain significance (2). Last evaluated 2025-03-21.

Conditions:
Bardet-Biedl syndrome (BBS). Identifiers: Orphanet 110, MedGen C0752166, MONDO:0015229.
BBS9-related disorder. Also called: BBS9-related condition.

Submissions (2):

PreventionGenetics, part of Exact Sciences
Classification: Uncertain significance for BBS9-related condition. Last evaluated: 2025-03-21. Review status: criteria provided, single submitter. Criteria: ACMG Guidelines, 2015. Collection method: clinical testing. Allele origin: germline.
Comment: The BBS9 c.614A>T variant is predicted to result in the amino acid substitution p.Tyr205Phe. To our knowledge, this variant has not been reported in the literature or in a large population database (gnomAD), indicating this variant is rare. At this time, the clinical significance of this variant is uncertain due to the absence of conclusive functional and genetic evidence.

Labcorp Genetics (formerly Invitae), Labcorp
Classification: Uncertain significance for Bardet-Biedl syndrome. Last evaluated: 2022-06-17. Review status: criteria provided, single submitter. Criteria: Invitae Variant Classification Sherloc (09022015). Collection method: clinical testing. Allele origin: germline.
Comment: In summary, the available evidence is currently insufficient to determine the role of this variant in disease. Therefore, it has been classified as a Variant of Uncertain Significance. Algorithms developed to predict the effect of missense changes on protein structure and function are either unavailable or do not agree on the potential impact of this missense change (SIFT: "Deleterious"; PolyPhen-2: "Possibly Damaging"; Align-GVGD: "Class C15"). This variant has not been reported in the literature in individuals affected with BBS9-related conditions. This variant is not present in population databases (gnomAD no frequency). This sequence change replaces tyrosine, which is neutral and polar, with phenylalanine, which is neutral and non-polar, at codon 205 of the BBS9 protein (p.Tyr205Phe).

NM_198428.3(BBS9):c.614A>T (p.Tyr205Phe)

Gene: BBS9 (Bardet-Biedl syndrome 9; plus strand). Cytogenetic location: 7p14.3.
Variant type: single nucleotide variant.
Coding change: c.614A>T on transcript NM_198428.3 (MANE Select); coding-DNA position 614, A replaced by T.
Protein change: p.Tyr205Phe; replaces tyrosine 205 with phenylalanine.
Molecular consequence: missense variant. On other transcripts: non-coding transcript variant (3).
Genome position (GRCh38, 1-based): chr7:33,257,407, A>T. VCF-style: chr7-33257407-A-T. GRCh37 (hg19) VCF-style: chr7-33297019-A-T.
Other names: c.614A>T, p.Tyr205Phe (NM_001033604.2, NM_001033605.2, NM_001348036.1 and 7 more transcripts); c.248A>T, p.Tyr83Phe (NM_001348037.3, NM_001348044.3, NM_001348045.3 and 1 more transcripts); c.341A>T, p.Tyr114Phe (NM_001348038.3, NM_001348039.3); c.479A>T, p.Tyr160Phe (NM_001348042.3); c.614A>T (NM_198428.2); short protein forms Y160F, Y205F, Y114F, Y83F.
Identifiers: ClinVar variation 2080884 (VCV002080884.5), dbSNP rs183569253, ClinGen allele CA367253051.